The following is an entry in ClinVar:

ClinVar aggregate classification (germline): Likely benign. Review status: criteria provided, multiple submitters, no conflicts (2 of 4 stars). 9 submissions from 9 submitters: Likely benign (6). 3 of the submissions do not count toward it. Last evaluated 2025-07-01.

Conditions:
TRIO-related disorder. Also called: TRIO-related condition; TRIO-related disorders.
Intellectual developmental disorder, autosomal dominant 44, with microcephaly. Also called: TRIO-Related Intellectual Disability; Micrognathia-recurrent infections-behavioral abnormalities-mild intellectual disability syndrome. Identifiers: Orphanet 476126, MedGen C4310740, MONDO:0014892, OMIM 617061.
Intellectual developmental disorder, autosomal dominant 63, with macrocephaly. Also called: MENTAL RETARDATION, AUTOSOMAL DOMINANT 63, WITH MACROCEPHALY. Identifiers: MedGen C5394205, MONDO:0032939, OMIM 618825.

gnomAD v4.1: 327 of 1,602,870 alleles (0.02%); highest among the groups gnomAD compares: Middle Eastern, 0.3%; 1 homozygote.

Submissions (9):

CeGaT Center for Human Genetics Tuebingen
Classification: Likely benign. Last evaluated: 2025-07-01. Review status: criteria provided, single submitter. Criteria: CeGaT Center For Human Genetics Tuebingen Variant Classification Criteria Version 2. Collection method: clinical testing. Allele origin: germline. Affected: yes. Observed: 1 variant allele.
Comment: TRIO: BP4

Laboratory of Genetics, Children's Clinical University Hospital Latvia
Classification: Likely benign. Last evaluated: 2025-02-16. Review status: criteria provided, single submitter. Criteria: ACMG Guidelines, 2015. Collection method: clinical testing. Allele origin: germline. Affected: yes.

Blueprint Genetics
Classification: Likely benign. Last evaluated: 2024-09-23. Review status: criteria provided, single submitter. Criteria: ACMG Guidelines, 2015. Collection method: clinical testing. Allele origin: germline.

Fulgent Genetics
Classification: Likely benign for Intellectual developmental disorder, autosomal dominant 44, with microcephaly; Intellectual developmental disorder, autosomal dominant 63, with macrocephaly. Last evaluated: 2022-05-09. Review status: criteria provided, single submitter. Criteria: ACMG Guidelines, 2015. Collection method: clinical testing. Allele origin: unknown.

GeneDx
Classification: Likely benign. Last evaluated: 2020-06-10. Review status: criteria provided, single submitter. Criteria: GeneDx Variant Classification Process June 2021. Collection method: clinical testing. Allele origin: germline. Affected: yes.

Breakthrough Genomics
Classification: Likely benign. Review status: criteria provided, single submitter. Criteria: ACMG Guidelines, 2015. Collection method: not provided. Allele origin: germline. Inheritance: Autosomal dominant inheritance. Affected: yes.

PreventionGenetics, part of Exact Sciences
Classification: Likely benign for TRIO-related condition. Last evaluated: 2024-01-22. Review status: no assertion criteria provided. Collection method: clinical testing. Allele origin: germline. Not counted in ClinVar's aggregate classification.
Comment: This variant is classified as likely benign based on ACMG/AMP sequence variant interpretation guidelines (Richards et al. 2015 PMID: 25741868, with internal and published modifications).

Clinical Genetics DNA and cytogenetics Diagnostics Lab, Erasmus MC, Erasmus Medical Center
Classification: Likely benign. Review status: no assertion criteria provided. Collection method: clinical testing. Allele origin: germline. Affected: yes. Study: VKGL Data-share Consensus. Not counted in ClinVar's aggregate classification.

Genome Diagnostics Laboratory, University Medical Center Utrecht
Classification: Likely benign. Review status: no assertion criteria provided. Collection method: clinical testing. Allele origin: germline. Affected: yes. Study: VKGL Data-share Consensus. Not counted in ClinVar's aggregate classification.

NM_007118.4(TRIO):c.3332-8T>C

Gene: TRIO (trio Rho guanine nucleotide exchange factor; plus strand). Cytogenetic location: 5p15.2.
Variant type: single nucleotide variant.
Coding change: c.3332-8T>C on transcript NM_007118.4 (MANE Select); 8 bases into the intron before coding-DNA position 3332, T replaced by C.
Molecular consequence: intron variant.
Genome position (GRCh38, 1-based): chr5:14,378,004, T>C. VCF-style: chr5-14378004-T-C. GRCh37 (hg19) VCF-style: chr5-14378113-T-C.
Other names: c.3332-8T>C (NM_007118.3).
Identifiers: ClinVar variation 1194777 (VCV001194777.17), dbSNP rs369818812, ClinGen allele CA3206158.